The following is an entry in ClinVar:

ClinVar aggregate classification (germline): Uncertain significance. Review status: criteria provided, multiple submitters, no conflicts (2 of 4 stars). 2 submissions from 2 submitters: Uncertain significance (2). Last evaluated 2024-07-17.

Conditions:
Inborn genetic diseases. Identifiers: MedGen C0950123, MeSH D030342.

Allele frequency attached by ClinVar (database versions not stated): TOPMed below 0.00001; gnomAD 0.00001.

Submissions (2):

GeneDx
Classification: Uncertain significance. Last evaluated: 2024-07-17. Review status: criteria provided, single submitter. Criteria: GeneDx Variant Classification Process June 2021. Collection method: clinical testing. Allele origin: germline. Affected: yes.
Comment: Not observed at significant frequency in large population cohorts (gnomAD); In silico analysis supports that this missense variant has a deleterious effect on protein structure/function; Has not been previously published as pathogenic or benign to our knowledge

Ambry Genetics
Classification: Uncertain significance for Inborn genetic diseases. Last evaluated: 2023-04-18. Review status: criteria provided, single submitter. Criteria: Ambry Variant Classification Scheme 2023. Collection method: clinical testing. Allele origin: germline.

NM_002662.5(PLD1):c.764T>C (p.Leu255Ser)

Gene: PLD1 (phospholipase D1; minus strand). Cytogenetic location: 3q26.31.
Variant type: single nucleotide variant.
Coding change: c.764T>C on transcript NM_002662.5 (MANE Select); coding-DNA position 764, T replaced by C.
Protein change: p.Leu255Ser; replaces leucine 255 with serine.
Molecular consequence: missense variant.
Genome position (GRCh38, 1-based): chr3:171,714,040, A>G on the plus strand (T>C on the coding strand, the complement: PLD1 is on the minus strand). VCF-style: chr3-171714040-A-G. GRCh37 (hg19) VCF-style: chr3-171431830-A-G.
Other names: c.764T>C, p.Leu255Ser (NM_001130081.3); short protein forms L255S.
Identifiers: ClinVar variation 2538184 (VCV002538184.3), dbSNP rs1457478148, ClinGen allele CA355506340.